The following is an entry in ClinVar:

ClinVar aggregate classification (germline): Uncertain significance. Review status: criteria provided, multiple submitters, no conflicts (2 of 4 stars). 2 submissions from 2 submitters: Uncertain significance (2). Last evaluated 2023-11-10.

Conditions:
Insulin-dependent diabetes mellitus secretory diarrhea syndrome (IPEX). Also called: DIABETES MELLITUS, CONGENITAL INSULIN-DEPENDENT, WITH FATAL SECRETORY DIARRHEA; DIARRHEA, POLYENDOCRINOPATHY, FATAL INFECTION SYNDROME, X-LINKED; ENTEROPATHY, AUTOIMMUNE, WITH HEMOLYTIC ANEMIA AND POLYENDOCRINOPATHY; Immune dysregulation-polyendocrinopathy-enteropathy-X-linked syndrome; IPEX and IPEX-Like; Immunodeficiency, Polyendocrinopathy, and Enteropathy X-Linked Syndrome. Identifiers: Orphanet 37042, MedGen C0342288, MONDO:0010580, OMIM 304790. Disease mechanism: loss of function.

Submissions (2):

Laboratorio de Genetica e Diagnostico Molecular, Hospital Israelita Albert Einstein
Classification: Uncertain significance for Insulin-dependent diabetes mellitus secretory diarrhea syndrome. Last evaluated: 2023-11-10. Review status: criteria provided, single submitter. Criteria: ACMG Guidelines, 2015. Collection method: clinical testing. Allele origin: germline. Affected: yes.
Comment: ACMG classification criteria: PS4 supporting, PM2 moderate

Labcorp Genetics (formerly Invitae), Labcorp
Classification: Uncertain significance for Insulin-dependent diabetes mellitus secretory diarrhea syndrome. Last evaluated: 2020-03-18. Review status: criteria provided, single submitter. Criteria: Invitae Variant Classification Sherloc (09022015). Collection method: clinical testing. Allele origin: germline.
Comment: This variant has been observed in individual(s) with immunodysregulation polyendocrinopathy enteropathy X-linked (PMID: 29896738). Nucleotide substitutions within the consensus splice site are a relatively common cause of aberrant splicing (PMID: 17576681, 9536098). Algorithms developed to predict the effect of sequence changes on RNA splicing suggest that this variant may disrupt the consensus splice site, but this prediction has not been confirmed by published transcriptional studies. In summary, the available evidence is currently insufficient to determine the role of this variant in disease. Therefore, it has been classified as a Variant of Uncertain Significance. This variant is not present in population databases (ExAC no frequency). This sequence change falls in intron 9 of the FOXP3 gene. It does not directly change the encoded amino acid sequence of the FOXP3 protein, but it affects a nucleotide within the consensus splice site of the intron.

Literature cited by the submitters: PubMed 29896738 (cited by Labcorp Genetics (formerly Invitae), Labcorp); PubMed 17576681 (cited by Labcorp Genetics (formerly Invitae), Labcorp); PubMed 9536098 (cited by Labcorp Genetics (formerly Invitae), Labcorp).

NM_014009.4(FOXP3):c.967+3A>T

Gene: FOXP3 (forkhead box P3; minus strand). Cytogenetic location: Xp11.23.
Variant type: single nucleotide variant.
Coding change: c.967+3A>T on transcript NM_014009.4 (MANE Select); 3 bases into the intron after coding-DNA position 967, A replaced by T.
Molecular consequence: intron variant.
Genome position (GRCh38, 1-based): chrX:49,253,914, T>A on the plus strand (A>T on the coding strand, the complement: FOXP3 is on the minus strand). VCF-style: chrX-49253914-T-A. GRCh37 (hg19) VCF-style: chrX-49110375-T-A.
Other names: c.862+3A>T (NM_001114377.2).
Identifiers: ClinVar variation 1026145 (VCV001026145.9), dbSNP rs2066050512, ClinGen allele CA2428552080.